The following is an entry in ClinVar:

ClinVar aggregate classification (germline): Uncertain significance (1 of 4 stars; one submission).

Allele frequency attached by ClinVar (database versions not stated): TOPMed 0.00002.
gnomAD v4.1: 1 of 1,212,039 alleles (0.000083%); highest among the groups gnomAD compares: East Asian, 0.003%; no homozygotes.

Submission:

Labcorp Genetics (formerly Invitae), Labcorp
Classification: Uncertain significance. Last evaluated: 2023-04-06. Review status: criteria provided, single submitter. Criteria: Invitae Variant Classification Sherloc (09022015). Collection method: clinical testing. Allele origin: germline.
Comment: This variant has not been reported in the literature in individuals affected with NEXMIF-related conditions. This sequence change replaces glycine, which is neutral and non-polar, with arginine, which is basic and polar, at codon 1244 of the NEXMIF protein (p.Gly1244Arg). This variant is not present in population databases (gnomAD no frequency). An algorithm developed to predict the effect of missense changes on protein structure and function (PolyPhen-2) suggests that this variant is likely to be tolerated. In summary, the available evidence is currently insufficient to determine the role of this variant in disease. Therefore, it has been classified as a Variant of Uncertain Significance.

NM_001008537.3(NEXMIF):c.3730G>C (p.Gly1244Arg)

Gene: NEXMIF (neurite extension and migration factor; minus strand). Cytogenetic location: Xq13.3.
Variant type: single nucleotide variant.
Coding change: c.3730G>C on transcript NM_001008537.3 (MANE Select); coding-DNA position 3730, G replaced by C.
Protein change: p.Gly1244Arg; replaces glycine 1244 with arginine.
Molecular consequence: missense variant.
Genome position (GRCh38, 1-based): chrX:74,740,827, C>G on the plus strand (G>C on the coding strand, the complement: NEXMIF is on the minus strand). VCF-style: chrX-74740827-C-G. GRCh37 (hg19) VCF-style: chrX-73960662-C-G.
Other names: short protein forms G1244R.
Identifiers: ClinVar variation 2852956 (VCV002852956.3), dbSNP rs2080100041, ClinGen allele CA413664874.
Genomic context (GRCh38, chrX:74,740,827, plus strand): 5'-GTTGGATACATTCAGCCAATGTCTTCCCAGTGGAGGATATGGTGTTGGTTTGGCTTCCCC[C>G]ACGGCCAATGCCAATTTGCATTTTCTCTCCATTGATGGCAGCCATGTATTTCCCTTTCTT-3'
Protein context (NP_001008537.1, residues 1234-1254): GEKMQIGIGR[Gly1244Arg]GSQTNTISST